The following is an entry in ClinVar:

ClinVar aggregate classification (germline): Conflicting classifications of pathogenicity. Review status: criteria provided, conflicting classifications (1 of 4 stars). 3 submissions from 3 submitters: Uncertain significance (2); Likely benign (1). Last evaluated 2023-08-05.

Conditions:
Primary ciliary dyskinesia. Also called: Ciliary dyskinesia. Identifiers: Orphanet 244, MedGen C0008780, MONDO:0016575, HP:0012265.

Allele frequency attached by ClinVar (database versions not stated): gnomAD 0.00001 and 0.00003; gnomAD exomes 0.00001; TOPMed 0.00001; 1000 Genomes Project 30x 0.00016.
gnomAD v4.1: 8 of 1,613,784 alleles (0.0005%); highest among the groups gnomAD compares: African/African-American, 0.0053%; no homozygotes.

Submissions (3):

Labcorp Genetics (formerly Invitae), Labcorp
Classification: Likely benign for Primary ciliary dyskinesia. Last evaluated: 2023-08-05. Review status: criteria provided, single submitter. Criteria: Invitae Variant Classification Sherloc (09022015). Collection method: clinical testing. Allele origin: germline.

Ambry Genetics
Classification: Uncertain significance for Primary ciliary dyskinesia. Last evaluated: 2023-07-27. Review status: criteria provided, single submitter. Criteria: Ambry Variant Classification Scheme 2023. Collection method: clinical testing. Allele origin: germline.
Comment: The p.T3595M variant (also known as c.10784C>T), located in coding exon 63 of the DNAH5 gene, results from a C to T substitution at nucleotide position 10784. The threonine at codon 3595 is replaced by methionine, an amino acid with similar properties. This amino acid position is highly conserved in available vertebrate species. In addition, this alteration is predicted to be tolerated by in silico analysis. This alteration was identified in a cohort of individuals undergoing whole exome sequencing for diverse clinical indications (Li AH et al. Genome Med, 2017 Oct;9:95). Since supporting evidence is limited at this time, the clinical significance of this alteration remains unclear.

Eurofins Ntd Llc (ga)
Classification: Uncertain significance. Last evaluated: 2016-06-23. Review status: criteria provided, single submitter. Criteria: EGL Classification Definitions 2015. Collection method: clinical testing. Allele origin: germline. Observed: 1 variant allele, 1 heterozygote.

Literature cited by the submitters: PubMed 29089047 (cited by Ambry Genetics).

NM_001369.3(DNAH5):c.10784C>T (p.Thr3595Met)

Gene: DNAH5 (dynein axonemal heavy chain 5; minus strand). Cytogenetic location: 5p15.2.
Variant type: single nucleotide variant.
Coding change: c.10784C>T on transcript NM_001369.3 (MANE Select); coding-DNA position 10784, C replaced by T.
Protein change: p.Thr3595Met; replaces threonine 3595 with methionine.
Molecular consequence: missense variant.
Genome position (GRCh38, 1-based): chr5:13,753,321, G>A on the plus strand (C>T on the coding strand, the complement: DNAH5 is on the minus strand). VCF-style: chr5-13753321-G-A. GRCh37 (hg19) VCF-style: chr5-13753430-G-A.
Other names: c.10784C>T (NM_001369.2); short protein forms T3595M.
Identifiers: ClinVar variation 288543 (VCV000288543.10), dbSNP rs886043929, ClinGen allele CA10606127.